The following is an entry in ClinVar:

ClinVar aggregate classification (germline): Uncertain significance. Review status: criteria provided, multiple submitters, no conflicts (2 of 4 stars). 2 submissions from 2 submitters: Uncertain significance (2). Last evaluated 2024-10-04.

Conditions:
Melanoma-pancreatic cancer syndrome. Identifiers: Orphanet 404560, MedGen C1838547, MONDO:0011713, OMIM 606719. Disease mechanism: loss of function.
Hereditary cancer-predisposing syndrome. Also called: Tumor predisposition; Neoplastic Syndromes, Hereditary; Hereditary neoplastic syndrome; Hereditary Cancer Syndrome. Identifiers: Orphanet 140162, MedGen C0027672, MeSH D009386, MONDO:0015356.

Allele frequency attached by ClinVar (database versions not stated): TOPMed below 0.00001; gnomAD 0.00001.

Submissions (2):

Ambry Genetics
Classification: Uncertain significance for Hereditary cancer-predisposing syndrome. Last evaluated: 2024-10-04. Review status: criteria provided, single submitter. Criteria: Ambry Variant Classification Scheme 2023. Collection method: clinical testing. Allele origin: germline.
Comment: The c.333C>T variant (also known as p.G111G), located in coding exon 2 of the CDKN2A gene, results from a C to T substitution at nucleotide position 376 and does not change the amino acid at position glycine of the p16 isoform. Of note, this variant is also known as c.376C>T (p.P126S), in the p14(ARF) isoform and results from a C to T substitution at nucleotide position 376. The evidence supporting a relationship between p14(ARF) and melanoma-pancreatic cancer syndrome is limited; therefore, the association of this variant with this gene-disease relationship is unknown. However, the association of this variant in the p16 isoform with melanoma-pancreatic cancer syndrome is unlikely.

Mendelics
Classification: Uncertain significance for Melanoma-pancreatic cancer syndrome. Last evaluated: 2019-05-28. Review status: criteria provided, single submitter. Criteria: Mendelics Assertion Criteria 2017. Collection method: clinical testing. Allele origin: unknown.

NM_000077.5(CDKN2A):c.333C>T (p.Gly111=)

Gene: CDKN2A (cyclin dependent kinase inhibitor 2A; minus strand). Cytogenetic location: 9p21.3.
Variant type: single nucleotide variant.
Coding change: c.333C>T on transcript NM_000077.5; coding-DNA position 333, C replaced by T.
Protein change: p.Gly111=; no amino-acid change (glycine 111 retained).
Molecular consequence: synonymous variant (on NM_000077.6). On other transcripts: missense variant (1), 3 prime UTR variant (1).
Genome position (GRCh38, 1-based): chr9:21,971,026, G>A on the plus strand (C>T on the coding strand, the complement: CDKN2A is on the minus strand). VCF-style: chr9-21971026-G-A. GRCh37 (hg19) VCF-style: chr9-21971025-G-A.
Other names: c.333C>T, p.Gly111= (NM_000077.6, NM_001195132.2); c.180C>T, p.Gly60= (NM_001363763.2); c.376C>T, p.Pro126Ser (NM_058195.4); c.*256C>T (NM_058197.5); short protein forms P126S.
Identifiers: ClinVar variation 802462 (VCV000802462.4), dbSNP rs1490202463, ClinGen allele CA373086041.